The following is an entry in ClinVar:

NM_001267550.2(TTN):c.104204C>G (p.Thr34735Arg)

Genes: TTN-AS1 (TTN antisense RNA 1; plus strand), TTN (titin; minus strand). Cytogenetic location: 2q31.2.
Variant type: single nucleotide variant.
Coding change: c.104204C>G on transcript NM_001267550.2 (MANE Select); coding-DNA position 104204, C replaced by G.
Protein change: p.Thr34735Arg; replaces threonine 34735 with arginine.
Molecular consequence: missense variant.
Genome position (GRCh38, 1-based): chr2:178,532,411, G>C on the plus strand (C>G on the coding strand, the complement: TTN is on the minus strand). VCF-style: chr2-178532411-G-C. GRCh37 (hg19) VCF-style: chr2-179397138-G-C.
Other names: c.99281C>G, p.Thr33094Arg (NM_001256850.1); c.77009C>G, p.Thr25670Arg (NM_003319.4); c.96500C>G, p.Thr32167Arg (NM_133378.4); c.77384C>G, p.Thr25795Arg (NM_133432.3); c.77585C>G, p.Thr25862Arg (NM_133437.4); short protein forms T32167R, T25670R, T25795R, T25862R, T33094R, T34735R.
Identifiers: ClinVar variation 1349596 (VCV001349596.6), dbSNP rs755986938, ClinGen allele CA349412247.

ClinVar aggregate classification (germline): Uncertain significance (1 of 4 stars; one submission).

Conditions:
Dilated cardiomyopathy 1G (CMD1G). Identifiers: Orphanet 154, MedGen C1858763, MONDO:0011400, OMIM 604145.
Autosomal recessive limb-girdle muscular dystrophy type 2J (LGMDR10). Also called: Limb-girdle muscular dystrophy, type 2J; MUSCULAR DYSTROPHY, LIMB-GIRDLE, AUTOSOMAL RECESSIVE 10. Identifiers: Orphanet 140922, MedGen C1837342, MONDO:0012127, OMIM 608807.

gnomAD v4.1: 1 of 1,613,966 alleles (0.000062%); highest among the groups gnomAD compares: Non-Finnish European, 0.000085%; no homozygotes.

Submission:

Labcorp Genetics (formerly Invitae), Labcorp
Classification: Uncertain significance for Dilated cardiomyopathy 1G; Autosomal recessive limb-girdle muscular dystrophy type 2J. Last evaluated: 2024-08-15. Review status: criteria provided, single submitter. Criteria: Invitae Variant Classification Sherloc (09022015). Collection method: clinical testing. Allele origin: germline.
Comment: This sequence change replaces threonine, which is neutral and polar, with arginine, which is basic and polar, at codon 34735 of the TTN protein (p.Thr34735Arg). This variant is not present in population databases (gnomAD no frequency). This variant has not been reported in the literature in individuals affected with TTN-related conditions. ClinVar contains an entry for this variant (Variation ID: 1349596). Experimental studies and prediction algorithms are not available or were not evaluated, and the functional significance of this variant is currently unknown. This variant is located in the M band of TTN (PMID: 25589632). Non-truncating variants in this region may be relevant for neuromuscular disorders, but have not been definitively shown to cause cardiomyopathy (PMID: 23975875). In summary, the available evidence is currently insufficient to determine the role of this variant in disease. Therefore, it has been classified as a Variant of Uncertain Significance.

Literature cited by the submitters: PubMed 25589632; PubMed 23975875.